The following is an entry in ClinVar:

NM_001005361.3(DNM2):c.1196+740G>T

Gene: DNM2 (dynamin 2; plus strand). Cytogenetic location: 19p13.2.
Variant type: single nucleotide variant.
Coding change: c.1196+740G>T on transcript NM_001005361.3 (MANE Select); 740 bases into the intron after coding-DNA position 1196, G replaced by T.
Molecular consequence: intron variant. On other transcripts: missense variant (3).
Genome position (GRCh38, 1-based): chr19:10,796,179, G>T. VCF-style: chr19-10796179-G-T. GRCh37 (hg19) VCF-style: chr19-10906855-G-T.
Other names: c.1315G>T (NM_001005360.2); c.1315G>T, p.Val439Phe (NM_001005360.3, NM_001190716.2, NM_004945.4); c.1196+740G>T (NM_001005362.3); short protein forms V439F.
Identifiers: ClinVar variation 1368861 (VCV001368861.6), dbSNP rs2146026442, ClinGen allele CA404049053.

ClinVar aggregate classification (germline): Uncertain significance. Review status: criteria provided, multiple submitters, no conflicts (2 of 4 stars). 2 submissions from 2 submitters: Uncertain significance (2). Last evaluated 2025-06-26.

Conditions:
Charcot-Marie-Tooth disease dominant intermediate B (CMTDIB). Also called: CHARCOT-MARIE-TOOTH NEUROPATHY, DOMINANT INTERMEDIATE B; Charcot-Marie-Tooth disease dominant intermediate 1; CMT DI1; Charcot-Marie-Tooth disease dominant intermediate I. Identifiers: Orphanet 100044, Orphanet 228179, MedGen C1847902, MONDO:0011674, OMIM 606482.

Allele frequency attached by ClinVar (database versions not stated): gnomAD exomes below 0.00001.
gnomAD v4.1: 1 of 1,614,174 alleles (0.000062%); highest among the groups gnomAD compares: Non-Finnish European, 0.000085%; no homozygotes.

Submissions (2):

Labcorp Genetics (formerly Invitae), Labcorp
Classification: Uncertain significance for Charcot-Marie-Tooth disease dominant intermediate B. Last evaluated: 2025-06-26. Review status: criteria provided, single submitter. Criteria: Invitae Variant Classification Sherloc (09022015). Collection method: clinical testing. Allele origin: germline.
Comment: This sequence change replaces valine, which is neutral and non-polar, with phenylalanine, which is neutral and non-polar, at codon 439 of the DNM2 protein (p.Val439Phe). This variant is not present in population databases (gnomAD no frequency). This variant has not been reported in the literature in individuals affected with DNM2-related conditions. ClinVar contains an entry for this variant (Variation ID: 1368861). Invitae Evidence Modeling of protein sequence and biophysical properties (such as structural, functional, and spatial information, amino acid conservation, physicochemical variation, residue mobility, and thermodynamic stability) indicates that this missense variant is expected to disrupt DNM2 protein function with a positive predictive value of 80%. In summary, the available evidence is currently insufficient to determine the role of this variant in disease. Therefore, it has been classified as a Variant of Uncertain Significance.

GeneDx
Classification: Uncertain significance. Last evaluated: 2024-08-13. Review status: criteria provided, single submitter. Criteria: GeneDx Variant Classification Process June 2021. Collection method: clinical testing. Allele origin: germline. Affected: yes.
Comment: Not observed at significant frequency in large population cohorts (gnomAD); In silico analysis supports that this missense variant has a deleterious effect on protein structure/function; In silico analysis is inconclusive as to whether the variant alters gene splicing. In the absence of RNA/functional studies, the actual effect of this sequence change is unknown.; Has not been previously published as pathogenic or benign to our knowledge